The following is an entry in ClinVar:

NM_000313.4(PROS1):c.1358G>A (p.Trp453Ter)

Gene: PROS1 (protein S; minus strand). Cytogenetic location: 3q11.1.
Variant type: single nucleotide variant.
Coding change: c.1358G>A on transcript NM_000313.4 (MANE Select); coding-DNA position 1358, G replaced by A.
Protein change: p.Trp453Ter; replaces tryptophan 453 with a stop codon.
Molecular consequence: nonsense.
Genome position (GRCh38, 1-based): chr3:93,884,862, C>T on the plus strand (G>A on the coding strand, the complement: PROS1 is on the minus strand). VCF-style: chr3-93884862-C-T. GRCh37 (hg19) VCF-style: chr3-93603706-C-T.
Other names: c.1454G>A, p.Trp485Ter (NM_001314077.2); short protein forms W453*, W485*.
Identifiers: ClinVar variation 4797974 (VCV004797974.1).

ClinVar aggregate classification (germline): Pathogenic (1 of 4 stars; one submission).

Conditions:
Thrombophilia due to protein S deficiency, autosomal recessive (THPH6). Identifiers: Orphanet 743, MedGen C3281092, MONDO:0013791, OMIM 614514. Disease mechanism: loss of function.

gnomAD v4.1: 1 of 1,613,104 alleles (0.000062%); highest among the groups gnomAD compares: African/African-American, 0.0013%; no homozygotes.

Submission:

Labcorp Genetics (formerly Invitae), Labcorp
Classification: Pathogenic for Thrombophilia due to protein S deficiency, autosomal recessive. Last evaluated: 2025-03-24. Review status: criteria provided, single submitter. Criteria: Invitae Variant Classification Sherloc (09022015). Collection method: clinical testing. Allele origin: germline.
Comment: This sequence change creates a premature translational stop signal (p.Trp453*) in the PROS1 gene. It is expected to result in an absent or disrupted protein product. Loss-of-function variants in PROS1 are known to be pathogenic (PMID: 9241758). This variant is present in population databases (no rsID available, gnomAD 0.01%). This premature translational stop signal has been observed in individual(s) with protein S deficiency (PMID: 35231993). For these reasons, this variant has been classified as Pathogenic.

Literature cited by the submitters: PubMed 9241758; PubMed 35231993.